The following is an entry in ClinVar:

NM_000936.4(PNLIP):c.811+5A>G

Gene: PNLIP (pancreatic lipase; plus strand). Cytogenetic location: 10q25.3.
Variant type: single nucleotide variant.
Coding change: c.811+5A>G on transcript NM_000936.4 (MANE Select); 5 bases into the intron after coding-DNA position 811, A replaced by G.
Molecular consequence: intron variant.
Genome position (GRCh38, 1-based): chr10:116,555,512, A>G. VCF-style: chr10-116555512-A-G. GRCh37 (hg19) VCF-style: chr10-118315024-A-G.
Other names: c.811+5A>G (NM_000936.3).
Identifiers: ClinVar variation 2197294 (VCV002197294.4), dbSNP rs375485005, ClinGen allele CA5706600.
Genomic context (GRCh38, chr10:116,555,512, plus strand): 5'-TGGATGTAAAAAGAACATTCTCTCTCAGATTGTGGACATAGACGGAATCTGGGAAGGTAG[A>G]ACTATTATGTGTAGAAAGAGATCTTCTTGGGAGAAAGCTTGTGTTTTGTTTTGCTAAACT-3'

ClinVar aggregate classification (germline): Uncertain significance. Review status: criteria provided, single submitter (1 of 4 stars). 2 submissions from 2 submitters: Uncertain significance (1). 1 of the submissions does not count toward it. Last evaluated 2022-09-22.

Conditions:
Pancreatic triacylglycerol lipase deficiency. Also called: LIPASE, CONGENITAL ABSENCE OF PANCREATIC; PL DEFICIENCY. Identifiers: Orphanet 309031, MedGen C3280527, MONDO:0013700, OMIM 614338.
PNLIP-related disorder. Also called: PNLIP-related condition.

Allele frequency attached by ClinVar (database versions not stated): gnomAD 0.00005; gnomAD exomes 0.00005; ExAC 0.00006; TOPMed 0.00006; ESP Exome Variant Server 0.00008.
gnomAD v4.1: 89 of 1,613,474 alleles (0.0055%); highest among the groups gnomAD compares: Middle Eastern, 0.049%; no homozygotes.

Submissions (2):

Labcorp Genetics (formerly Invitae), Labcorp
Classification: Uncertain significance. Last evaluated: 2022-09-22. Review status: criteria provided, single submitter. Criteria: Invitae Variant Classification Sherloc (09022015). Collection method: clinical testing. Allele origin: germline.
Comment: This sequence change falls in intron 8 of the PNLIP gene. It does not directly change the encoded amino acid sequence of the PNLIP protein. It affects a nucleotide within the consensus splice site. This variant is present in population databases (rs375485005, gnomAD 0.02%). This variant has not been reported in the literature in individuals affected with PNLIP-related conditions. Variants that disrupt the consensus splice site are a relatively common cause of aberrant splicing (PMID: 17576681, 9536098). Algorithms developed to predict the effect of sequence changes on RNA splicing suggest that this variant is not likely to affect RNA splicing. In summary, the available evidence is currently insufficient to determine the role of this variant in disease. Therefore, it has been classified as a Variant of Uncertain Significance.

PreventionGenetics, part of Exact Sciences
Classification: Likely benign for PNLIP-related condition. Last evaluated: 2020-06-15. Review status: no assertion criteria provided. Collection method: clinical testing. Allele origin: germline. Not counted in ClinVar's aggregate classification.
Comment: This variant is classified as likely benign based on ACMG/AMP sequence variant interpretation guidelines (Richards et al. 2015 PMID: 25741868, with internal and published modifications).

Literature cited by the submitters: PubMed 17576681 (cited by Labcorp Genetics (formerly Invitae), Labcorp); PubMed 9536098 (cited by Labcorp Genetics (formerly Invitae), Labcorp).